The following is an entry in ClinVar:

NM_000038.6(APC):c.7382C>T (p.Ser2461Leu)

Gene: APC (APC regulator of Wnt signaling pathway; plus strand). Cytogenetic location: 5q22.2.
Variant type: single nucleotide variant.
Coding change: c.7382C>T on transcript NM_000038.6 (MANE Select); coding-DNA position 7382, C replaced by T.
Protein change: p.Ser2461Leu; replaces serine 2461 with leucine.
Molecular consequence: missense variant.
Genome position (GRCh38, 1-based): chr5:112,842,976, C>T. VCF-style: chr5-112842976-C-T. GRCh37 (hg19) VCF-style: chr5-112178673-C-T.
Other names: c.7382C>T, p.Ser2461Leu (NM_001127510.3, NM_001354895.2); c.7328C>T, p.Ser2443Leu (NM_001127511.3); c.7436C>T, p.Ser2479Leu (NM_001354896.2); c.7412C>T, p.Ser2471Leu (NM_001354897.2); c.7307C>T, p.Ser2436Leu (NM_001354898.2); c.7298C>T, p.Ser2433Leu (NM_001354899.2); c.7259C>T, p.Ser2420Leu (NM_001354900.2); c.7205C>T, p.Ser2402Leu (NM_001354901.2); and 6 more; short protein forms S2360L, S2420L, S2433L, S2443L, S2461L, S2178L, S2370L, S2402L.
Identifiers: ClinVar variation 1417979 (VCV001417979.9), dbSNP rs1413542387, ClinGen allele CA16037412.

ClinVar aggregate classification (germline): Uncertain significance. Review status: criteria provided, single submitter (1 of 4 stars). 2 submissions from 2 submitters: Uncertain significance (1). 1 of the submissions does not count toward it. Last evaluated 2024-07-21.

Conditions:
APC-related disorder. Also called: APC-related condition.
Familial adenomatous polyposis 1 (FAP1). Also called: POLYPOSIS, ADENOMATOUS INTESTINAL; FAMILIAL ADENOMATOUS POLYPOSIS 1, ATTENUATED. Identifiers: MedGen C2713442, MONDO:0021056, OMIM 175100. Disease mechanism: loss of function.

Allele frequency attached by ClinVar (database versions not stated): gnomAD exomes below 0.00001.
gnomAD v4.1: 3 of 1,614,084 alleles (0.00019%); highest among the groups gnomAD compares: South Asian, 0.0011%; no homozygotes.

Submissions (2):

Labcorp Genetics (formerly Invitae), Labcorp
Classification: Uncertain significance for Familial adenomatous polyposis 1. Last evaluated: 2024-07-21. Review status: criteria provided, single submitter. Criteria: Invitae Variant Classification Sherloc (09022015). Collection method: clinical testing. Allele origin: germline.
Comment: This sequence change replaces serine, which is neutral and polar, with leucine, which is neutral and non-polar, at codon 2461 of the APC protein (p.Ser2461Leu). This variant is present in population databases (no rsID available, gnomAD 0.003%). This variant has not been reported in the literature in individuals affected with APC-related conditions. ClinVar contains an entry for this variant (Variation ID: 1417979). Advanced modeling of protein sequence and biophysical properties (such as structural, functional, and spatial information, amino acid conservation, physicochemical variation, residue mobility, and thermodynamic stability) performed at Invitae indicates that this missense variant is not expected to disrupt APC protein function with a negative predictive value of 95%. In summary, the available evidence is currently insufficient to determine the role of this variant in disease. Therefore, it has been classified as a Variant of Uncertain Significance.

PreventionGenetics, part of Exact Sciences
Classification: Uncertain significance for APC-related condition. Last evaluated: 2024-07-16. Review status: no assertion criteria provided. Collection method: clinical testing. Allele origin: germline. Not counted in ClinVar's aggregate classification.
Comment: The APC c.7382C>T variant is predicted to result in the amino acid substitution p.Ser2461Leu. This variant has been reported as somatic in one individual with malignant melanoma (Table S1 and S2. Van Allen et al. 2015. PubMed ID: 26359337) but has not been reported as germline in any individuals with APC-related conditions. This variant is reported in 0.0033% of alleles in individuals of South Asian descent in gnomAD and is classified as a variant of uncertain significance in ClinVar. At this time, the clinical significance of this variant is uncertain due to the absence of conclusive functional and genetic evidence.